The following is an entry in ClinVar:

NM_001793.6(CDH3):c.246+6A>T

Gene: CDH3 (cadherin 3; plus strand). Cytogenetic location: 16q22.1.
Variant type: single nucleotide variant.
Coding change: c.246+6A>T on transcript NM_001793.6 (MANE Select); 6 bases into the intron after coding-DNA position 246, A replaced by T.
Molecular consequence: intron variant.
Genome position (GRCh38, 1-based): chr16:68,676,476, A>T. VCF-style: chr16-68676476-A-T. GRCh37 (hg19) VCF-style: chr16-68710379-A-T.
Other names: c.81+6A>T (NM_001317196.2); c.246+6A>T (NM_001317195.3).
Identifiers: ClinVar variation 2167440 (VCV002167440.4), dbSNP rs376051800, ClinGen allele CA8128961.

ClinVar aggregate classification (germline): Uncertain significance (1 of 4 stars; one submission).

Allele frequency attached by ClinVar (database versions not stated): gnomAD exomes below 0.00001; TOPMed below 0.00001; ExAC 0.00002; ESP Exome Variant Server 0.00008.
gnomAD v4.1: 6 of 1,602,024 alleles (0.00037%); highest among the groups gnomAD compares: Admixed American, 0.0083%; no homozygotes.

Submission:

Labcorp Genetics (formerly Invitae), Labcorp
Classification: Uncertain significance. Last evaluated: 2022-07-03. Review status: criteria provided, single submitter. Criteria: Invitae Variant Classification Sherloc (09022015). Collection method: clinical testing. Allele origin: germline.
Comment: In summary, the available evidence is currently insufficient to determine the role of this variant in disease. Therefore, it has been classified as a Variant of Uncertain Significance. Variants that disrupt the consensus splice site are a relatively common cause of aberrant splicing (PMID: 17576681, 9536098). Algorithms developed to predict the effect of sequence changes on RNA splicing suggest that this variant is not likely to affect RNA splicing. This variant has not been reported in the literature in individuals affected with CDH3-related conditions. This variant is present in population databases (rs376051800, gnomAD 0.02%). This sequence change falls in intron 3 of the CDH3 gene. It does not directly change the encoded amino acid sequence of the CDH3 protein. It affects a nucleotide within the consensus splice site.

Literature cited by the submitters: PubMed 17576681; PubMed 9536098.